The following is an entry in ClinVar:

ClinVar aggregate classification (germline): Uncertain significance (1 of 4 stars; one submission).

Conditions:
Gastrointestinal stromal tumor. Also called: Gastrointestinal stromal tumor, somatic; Gastrointestinal stroma tumor. Identifiers: Orphanet 44890, MedGen C0238198, MeSH D046152, MONDO:0011719, OMIM 606764, HP:0100723.

Submission:

Labcorp Genetics (formerly Invitae), Labcorp
Classification: Uncertain significance for Gastrointestinal stromal tumor. Last evaluated: 2019-05-20. Review status: criteria provided, single submitter. Criteria: Invitae Variant Classification Sherloc (09022015). Collection method: clinical testing. Allele origin: germline.
Comment: This variant is not present in population databases (ExAC no frequency). This sequence change replaces glutamic acid with alanine at codon 749 of the KIT protein (p.Glu749Ala). The glutamic acid residue is moderately conserved and there is a moderate physicochemical difference between glutamic acid and alanine. In summary, the available evidence is currently insufficient to determine the role of this variant in disease. Therefore, it has been classified as a Variant of Uncertain Significance. Algorithms developed to predict the effect of missense changes on protein structure and function are either unavailable or do not agree on the potential impact of this missense change (SIFT: "Deleterious"; PolyPhen-2: "Benign"; Align-GVGD: "Class C25"). This variant has not been reported in the literature in individuals with KIT-related conditions.

NM_000222.3(KIT):c.2246A>C (p.Glu749Ala)

Gene: KIT (KIT proto-oncogene, receptor tyrosine kinase; plus strand). Cytogenetic location: 4q12.
Variant type: single nucleotide variant.
Coding change: c.2246A>C on transcript NM_000222.3 (MANE Select); coding-DNA position 2246, A replaced by C.
Protein change: p.Glu749Ala; replaces glutamic acid 749 with alanine.
Molecular consequence: missense variant.
Genome position (GRCh38, 1-based): chr4:54,731,883, A>C. VCF-style: chr4-54731883-A-C. GRCh37 (hg19) VCF-style: chr4-55598049-A-C.
Other names: c.2234A>C, p.Glu745Ala (NM_001093772.2, NM_001385292.1); c.2249A>C, p.Glu750Ala (NM_001385284.1); c.2243A>C, p.Glu748Ala (NM_001385285.1); c.2231A>C, p.Glu744Ala (NM_001385286.1); c.2237A>C, p.Glu746Ala (NM_001385288.1); c.2246A>C, p.Glu749Ala (NM_001385290.1); short protein forms E749A, E745A, E744A, E746A, E748A, E750A.
Identifiers: ClinVar variation 946526 (VCV000946526.10), dbSNP rs1158253739, ClinGen allele CA356910840.